The following is an entry in ClinVar:

ClinVar aggregate classification (germline): Pathogenic. Review status: criteria provided, multiple submitters, no conflicts (2 of 4 stars). 5 submissions from 5 submitters: Pathogenic (5). Last evaluated 2026-08-27.

Conditions:
Hereditary cancer-predisposing syndrome. Also called: Neoplastic Syndromes, Hereditary; Tumor predisposition; Hereditary Cancer Syndrome; Hereditary neoplastic syndrome. Identifiers: Orphanet 140162, MedGen C0027672, MeSH D009386, MONDO:0015356.
Multiple endocrine neoplasia, type 1 (MEN1). Also called: MEN I; WERMER SYNDROME; Endocrine adenomatosis multiple; MEN 1; MEA I. Identifiers: Orphanet 652, MedGen C0025267, MeSH D018761, MONDO:0007540, OMIM 131100.

Submissions (5):

Myriad Genetics, Inc.
Classification: Pathogenic for Multiple endocrine neoplasia, type 1. Last evaluated: 2026-08-27. Review status: criteria provided, single submitter. Criteria: Myriad Autosomal Dominant, Autosomal Recessive and X-Linked Classification Criteria (2023). Collection method: clinical testing. Allele origin: unknown.
Comment: This variant is considered pathogenic. This variant creates a frameshift predicted to result in premature protein truncation.

Women's Health and Genetics/Laboratory Corporation of America, LabCorp
Classification: Pathogenic for Multiple endocrine neoplasia, type 1. Last evaluated: 2023-06-05. Review status: criteria provided, single submitter. Criteria: LabCorp Variant Classification Summary - May 2015. Collection method: clinical testing. Allele origin: germline.
Comment: Variant summary: MEN1 c.1375_1391dup17 (p.Ala467ArgfsX98) results in a premature termination codon in the last exon so not expected to result in nonsense mediated decay, but predicted to cause a truncation of the encoded protein, which is a commonly known mechanism for disease. Variants downstream of this position have been classified as pathogenic by our laboratory. The variant was absent in 225902 control chromosomes. To our knowledge, no occurrence of c.1375_1391dup17 in individuals affected with Multiple Endocrine Neoplasia Type 1 and no experimental evidence demonstrating its impact on protein function have been reported. Three clinical diagnostic laboratories have submitted clinical-significance assessments for this variant to ClinVar after 2014 and all laboratories classified the variant as pathogenic. Based on the evidence outlined above, the variant was classified as pathogenic.

GeneDx
Classification: Pathogenic. Last evaluated: 2022-05-20. Review status: criteria provided, single submitter. Criteria: GeneDx Variant Classification Process June 2021. Collection method: clinical testing. Allele origin: germline. Affected: yes.
Comment: Frameshift variant predicted to result in protein truncation or nonsense mediated decay in a gene for which loss of function is a known mechanism of disease; Not observed at significant frequency in large population cohorts (gnomAD); This variant is associated with the following publications: (PMID: 9465067)

Labcorp Genetics (formerly Invitae), Labcorp
Classification: Pathogenic for Multiple endocrine neoplasia, type 1. Last evaluated: 2020-08-24. Review status: criteria provided, single submitter. Criteria: Invitae Variant Classification Sherloc (09022015). Collection method: clinical testing. Allele origin: germline.
Comment: This sequence change results in a premature translational stop signal in the MEN1 gene (p.Ala467Argfs*98). While this is not anticipated to result in nonsense mediated decay, it is expected to disrupt the last 144 amino acids of the MEN1 protein. This variant is not present in population databases (ExAC no frequency). This variant has not been reported in the literature in individuals with MEN1-related conditions. This variant disrupts the C-terminus of the MEN1 protein. Other variant(s) that disrupt this region (p.Thr580Argfs*8) have been determined to be pathogenic (PMID: 15331604, 16449969, Invitae). This suggests that variants that disrupt this region of the protein are likely to be causative of disease. For these reasons, this variant has been classified as Pathogenic.

Ambry Genetics
Classification: Pathogenic for Hereditary cancer-predisposing syndrome. Last evaluated: 2018-10-29. Review status: criteria provided, single submitter. Criteria: Ambry Variant Classification Scheme 2023. Collection method: clinical testing. Allele origin: germline.
Comment: The c.1375_1391dup17 pathogenic mutation, located in coding exon 9 of the MEN1 gene, results from a duplication of AGCCGAGAGGCCGAGGC at nucleotide position 1375, causing a translational frameshift with a predicted alternate stop codon (p.A467Rfs*98). This alteration is expected to result in loss of function by premature protein truncation. As such, this alteration is interpreted as a disease-causing mutation.

Literature cited by the submitters: PubMed 15331604 (cited by Labcorp Genetics (formerly Invitae), Labcorp); PubMed 16449969 (cited by Labcorp Genetics (formerly Invitae), Labcorp).

NM_001370259.2(MEN1):c.1375_1391dup (p.Ala467fs)

Gene: MEN1 (menin 1; minus strand). Cytogenetic location: 11q13.1.
Variant type: Duplication.
Coding change: c.1375_1391dup on transcript NM_001370259.2 (MANE Select); coding-DNA positions 1375 to 1391, 17 bases duplicated (AGCCGAGAGGCCGAGGC).
Protein change: p.Ala467fs; shifts the reading frame from alanine 467.
Molecular consequence: frameshift variant.
Genome position (GRCh38, 1-based): chr11:64,804,776-64,804,792, GCCTCGGCCTCTCGGCT duplicated on the plus strand (AGCCGAGAGGCCGAGGC on the coding strand, the reverse complement: MEN1 is on the minus strand). VCF-style (leftmost placement, unchanged base first): chr11-64804775-C-CGCCTCGGCCTCTCGGCT. GRCh37 (hg19) VCF-style: chr11-64572247-C-CGCCTCGGCCTCTCGGCT.
Other names: c.1375_1391dupAGCCGAGAGGCCGAGGC (NM_130799.2); c.1390_1406dup, p.Ala472fs (NM_000244.4, NM_130800.3, NM_130801.3 and 3 more transcripts); c.1501_1517dup, p.Ala509fs (NM_001370251.2); c.1375_1391dup, p.Ala467fs (NM_001370260.2, NM_001370261.2, NM_130799.3); c.1270_1286dup, p.Ala432fs (NM_001370262.2, NM_001370263.2); short protein forms A432fs, A467fs, A472fs, A509fs.
Identifiers: ClinVar variation 1070954 (VCV001070954.14), dbSNP rs2136092832, ClinGen allele CA2499221142.